The following is an entry in ClinVar:

ClinVar aggregate classification (germline): Likely benign. Review status: criteria provided, multiple submitters, no conflicts (2 of 4 stars). 3 submissions from 3 submitters: Likely benign (2). 1 of the submissions does not count toward it. Last evaluated 2026-07-02.

Conditions:
Polycystic kidney disease. Also called: Kidney, Polycystic; Polycystic kidney dysplasia. Identifiers: MedGen C0022680, MeSH D007690, MONDO:0020642, HP:0000113.
PKD1-related disorder. Also called: PKD1-related condition.

Allele frequency attached by ClinVar (database versions not stated): gnomAD exomes 0.00001; TOPMed 0.00001.
gnomAD v4.1: 14 of 1,605,882 alleles (0.00087%); highest among the groups gnomAD compares: Middle Eastern, 0.017%; no homozygotes.

Submissions (3):

PreventionGenetics, part of Exact Sciences
Classification: Likely benign for PKD1-related condition. Last evaluated: 2026-07-02. Review status: criteria provided, single submitter. Criteria: ACMG Guidelines, 2015. Collection method: clinical testing. Allele origin: germline.
Comment: This variant is classified as likely benign based on ACMG/AMP sequence variant interpretation guidelines (Richards et al. 2015 PMID: 25741868, with internal and published modifications).

Breakthrough Genomics
Classification: Likely benign. Review status: criteria provided, single submitter. Criteria: ACMG Guidelines, 2015. Collection method: not provided. Allele origin: germline. Inheritance: Autosomal dominant inheritance. Affected: yes.

Department of Pathology and Laboratory Medicine, Sinai Health System
Classification: Likely benign for Polycystic Kidney disease. Review status: no assertion criteria provided. Collection method: clinical testing. Allele origin: unknown. Affected: yes. Observed: 1 variant allele. Study: The Canadian Open Genetics Repository (COGR). Not counted in ClinVar's aggregate classification.
Comment: The PKD1 p.Ala3512= variant was not identified in the literature nor was it identified in the dbSNP, ClinVar, LOVD 3.0, ADPKD Mutation Database, or PKD1-LOVD databases. The variant was identified in 1 of 229490 chromosomes at a frequency of 0.000004 (Genome Aggregation Database Feb 27, 2017). The variant was observed in the European population in 1 of 101450 chromosomes (freq: 0.00001), but not in the African, Other, Latino, Ashkenazi Jewish, East Asian, Finnish, or South Asian populations. The p.Ala3512= variant is not expected to have clinical significance because it does not result in a change of amino acid and is not located in a known consensus splice site. In addition, in silico or computational prediction software programs (SpliceSiteFinder, MaxEntScan, NNSPLICE, GeneSplicer) do not predict a difference in splicing. In summary, based on the above information, the clinical significance of this variant cannot be determined with certainty at this time although we would lean towards a more benign role for this variant. This variant is classified as likely benign.

NM_001009944.3(PKD1):c.10536G>A (p.Ala3512=)

Genes: PKD1 (polycystin 1, transient receptor potential channel interacting; minus strand), PKD1-AS1 (PKD1 antisense RNA 1; plus strand). Cytogenetic location: 16p13.3.
Variant type: single nucleotide variant.
Coding change: c.10536G>A on transcript NM_001009944.3 (MANE Select); coding-DNA position 10536, G replaced by A.
Protein change: p.Ala3512=; no amino-acid change (alanine 3512 retained).
Molecular consequence: synonymous variant.
Genome position (GRCh38, 1-based): chr16:2,094,174, C>T on the plus strand (G>A on the coding strand, the complement: PKD1 is on the minus strand). VCF-style: chr16-2094174-C-T. GRCh37 (hg19) VCF-style: chr16-2144175-C-T.
Other names: c.10536G>A (NM_001009944.2); c.10533G>A, p.Ala3511= (NM_000296.4).
Identifiers: ClinVar variation 997128 (VCV000997128.3), dbSNP rs1265357275, ClinGen allele CA493045018.